The following is an entry in ClinVar:

ClinVar aggregate classification (germline): Uncertain significance. Review status: criteria provided, multiple submitters, no conflicts (2 of 4 stars). 2 submissions from 2 submitters: Uncertain significance (2). Last evaluated 2025-10-01.

Conditions:
Progressive myoclonic epilepsy type 5. Identifiers: Orphanet 402082, MedGen C5190799.

Allele frequency attached by ClinVar (database versions not stated): gnomAD exomes 0.00004 and 0.00012; ExAC 0.00005; TOPMed 0.00006; gnomAD 0.00007.
gnomAD v4.1: 187 of 1,613,994 alleles (0.012%); highest among the groups gnomAD compares: Non-Finnish European, 0.015%; no homozygotes.

Submissions (2):

Labcorp Genetics (formerly Invitae), Labcorp
Classification: Uncertain significance for Progressive myoclonic epilepsy type 5. Last evaluated: 2025-10-01. Review status: criteria provided, single submitter. Criteria: Invitae Variant Classification Sherloc (09022015). Collection method: clinical testing. Allele origin: germline.
Comment: This sequence change replaces glycine, which is neutral and non-polar, with alanine, which is neutral and non-polar, at codon 511 of the PRICKLE2 protein (p.Gly511Ala). This variant is present in population databases (rs755987796, gnomAD 0.008%). This variant has not been reported in the literature in individuals affected with PRICKLE2-related conditions. ClinVar contains an entry for this variant (Variation ID: 664293). Invitae Evidence Modeling of protein sequence and biophysical properties (such as structural, functional, and spatial information, amino acid conservation, physicochemical variation, residue mobility, and thermodynamic stability) indicates that this missense variant is not expected to disrupt PRICKLE2 protein function with a negative predictive value of 80%. In summary, the available evidence is currently insufficient to determine the role of this variant in disease. Therefore, it has been classified as a Variant of Uncertain Significance.

Ambry Genetics
Classification: Uncertain significance. Last evaluated: 2023-05-15. Review status: criteria provided, single submitter. Criteria: Ambry Variant Classification Scheme 2023. Collection method: clinical testing. Allele origin: germline.

NM_198859.4(PRICKLE2):c.1532G>C (p.Gly511Ala)

Gene: PRICKLE2 (prickle planar cell polarity protein 2; minus strand). Cytogenetic location: 3p14.1.
Variant type: single nucleotide variant.
Coding change: c.1532G>C on transcript NM_198859.4 (MANE Select); coding-DNA position 1532, G replaced by C.
Protein change: p.Gly511Ala; replaces glycine 511 with alanine.
Molecular consequence: missense variant.
Genome position (GRCh38, 1-based): chr3:64,146,958, C>G on the plus strand (G>C on the coding strand, the complement: PRICKLE2 is on the minus strand). VCF-style: chr3-64146958-C-G. GRCh37 (hg19) VCF-style: chr3-64132634-C-G.
Other names: c.1532G>C, p.Gly511Ala (NM_001370528.1); short protein forms G511A.
Identifiers: ClinVar variation 664293 (VCV000664293.10), dbSNP rs755987796, ClinGen allele CA2479614.
Genomic context (GRCh38, chr3:64,146,958, plus strand): 5'-TCTGTGTATTTCAGGGAACTGATGGGATGACGGGTCCGACACTGCTGAGTGGACAAGCCC[C>G]CTTCCTCTTCCTCTTCCTCCTCATATTTGGGGACTTGGATGCTGCCTCGGGTCTCACTGA-3'
Protein context (NP_942559.1, residues 501-521): PKYEEEEEEE[Gly511Ala]GLSTQQCRTR